The following is an entry in ClinVar:

NM_001098426.2(SMARCD2):c.673G>A (p.Asp225Asn)

Gene: SMARCD2 (SWI/SNF related BAF chromatin remodeling complex subunit D2; minus strand). Cytogenetic location: 17q23.3.
Variant type: single nucleotide variant.
Coding change: c.673G>A on transcript NM_001098426.2 (MANE Select); coding-DNA position 673, G replaced by A.
Protein change: p.Asp225Asn; replaces aspartic acid 225 with asparagine.
Molecular consequence: missense variant.
Genome position (GRCh38, 1-based): chr17:63,835,462, C>T on the plus strand (G>A on the coding strand, the complement: SMARCD2 is on the minus strand). VCF-style: chr17-63835462-C-T. GRCh37 (hg19) VCF-style: chr17-61912822-C-T.
Other names: c.448G>A, p.Asp150Asn (NM_001330439.1); c.529G>A, p.Asp177Asn (NM_001330440.2); short protein forms D150N, D225N, D177N.
Identifiers: ClinVar variation 4691412 (VCV004691412.1).
Genomic context (GRCh38, chr17:63,835,462, plus strand): 5'-CCCAACTCACATCATCCAGCAGTTTTCCTTCCACTCGGAGTTCCCAGGAAGCCACCTTGT[C>T]CCCTGCTGGGGTTCCCCCAGGGGTCCCTGCAGTTCCTGCACTATCGCCTTCCGCCTTGCT-3'
Protein context (NP_001091896.1, residues 215-235): AGTPGGTPAG[Asp225Asn]KVASWELRVE

ClinVar aggregate classification (germline): Uncertain significance (1 of 4 stars; one submission).

gnomAD v4.1: 8 of 1,613,814 alleles (0.0005%); highest among the groups gnomAD compares: Non-Finnish European, 0.00068%; no homozygotes.

Submission:

Labcorp Genetics (formerly Invitae), Labcorp
Classification: Uncertain significance. Last evaluated: 2025-05-19. Review status: criteria provided, single submitter. Criteria: Invitae Variant Classification Sherloc (09022015). Collection method: clinical testing. Allele origin: germline.
Comment: This sequence change replaces aspartic acid, which is acidic and polar, with asparagine, which is neutral and polar, at codon 225 of the SMARCD2 protein (p.Asp225Asn). This variant is not present in population databases (gnomAD no frequency). This variant has not been reported in the literature in individuals affected with SMARCD2-related conditions. An algorithm developed to predict the effect of missense changes on protein structure and function (PolyPhen-2) suggests that this variant is likely to be tolerated. In summary, the available evidence is currently insufficient to determine the role of this variant in disease. Therefore, it has been classified as a Variant of Uncertain Significance.